The following is an entry in ClinVar:

NM_000245.4(MET):c.125A>G (p.Gln42Arg)

Gene: MET (MET proto-oncogene, receptor tyrosine kinase; plus strand). Cytogenetic location: 7q31.2.
Variant type: single nucleotide variant.
Coding change: c.125A>G on transcript NM_000245.4 (MANE Select); coding-DNA position 125, A replaced by G.
Protein change: p.Gln42Arg; replaces glutamine 42 with arginine.
Molecular consequence: missense variant. On other transcripts: intron variant (1).
Genome position (GRCh38, 1-based): chr7:116,699,209, A>G. VCF-style: chr7-116699209-A-G. GRCh37 (hg19) VCF-style: chr7-116339263-A-G.
Other names: c.125A>G, p.Gln42Arg (NM_001127500.3, NM_001324401.3); c.-91+26632A>G (NM_001324402.2); short protein forms Q42R.
Identifiers: ClinVar variation 5024394 (VCV005024394.1).
Genomic context (GRCh38, chr7:116,699,209, plus strand): 5'-GCAATGGGGAGTGTAAAGAGGCACTAGCAAAGTCCGAGATGAATGTGAATATGAAGTATC[A>G]GCTTCCCAACTTCACCGCGGAAACACCCATCCAGAATGTCATTCTACATGAGCATCACAT-3'
Protein context (NP_000236.2, residues 32-52): KSEMNVNMKY[Gln42Arg]LPNFTAETPI

ClinVar aggregate classification (germline): Uncertain significance (1 of 4 stars; one submission).

Conditions:
Hereditary cancer-predisposing syndrome. Also called: Neoplastic Syndromes, Hereditary; Tumor predisposition; Hereditary neoplastic syndrome; Hereditary Cancer Syndrome. Identifiers: Orphanet 140162, MedGen C0027672, MeSH D009386, MONDO:0015356.

Submission:

Ambry Genetics
Classification: Uncertain significance for Hereditary cancer-predisposing syndrome. Last evaluated: 2026-07-07. Review status: criteria provided, single submitter. Criteria: Ambry Variant Classification Scheme 2023. Collection method: clinical testing. Allele origin: germline.
Comment: The p.Q42R variant (also known as c.125A>G), located in coding exon 1 of the MET gene, results from an A to G substitution at nucleotide position 125. The glutamine at codon 42 is replaced by arginine, an amino acid with highly similar properties. This amino acid position is conserved. In addition, this alteration is predicted to be tolerated by in silico analysis. Based on the available evidence, the clinical significance of this variant remains unclear.